The following is an entry in ClinVar:

ClinVar aggregate classification (germline): Uncertain significance (1 of 4 stars; one submission).

Conditions:
Lymphoproliferative syndrome 2 (LPFS2). Also called: Combined immunodeficiency due to CD27 deficiency; CD27 DEFICIENCY. Identifiers: Orphanet 238505, MedGen C3554540, MONDO:0014054, OMIM 615122.

gnomAD v4.1: 4 of 1,606,302 alleles (0.00025%); highest among the groups gnomAD compares: Middle Eastern, 0.018%; no homozygotes.

Submission:

Labcorp Genetics (formerly Invitae), Labcorp
Classification: Uncertain significance for Lymphoproliferative syndrome 2. Last evaluated: 2022-01-20. Review status: criteria provided, single submitter. Criteria: Invitae Variant Classification Sherloc (09022015). Collection method: clinical testing. Allele origin: germline.
Comment: This sequence change replaces histidine, which is basic and polar, with glutamine, which is neutral and polar, at codon 5 of the CD27 protein (p.His5Gln). This variant is present in population databases (no rsID available, gnomAD no frequency). This variant has not been reported in the literature in individuals affected with CD27-related conditions. Algorithms developed to predict the effect of missense changes on protein structure and function (SIFT, PolyPhen-2, Align-GVGD) all suggest that this variant is likely to be tolerated. Algorithms developed to predict the effect of sequence changes on RNA splicing suggest that this variant may create or strengthen a splice site. In summary, the available evidence is currently insufficient to determine the role of this variant in disease. Therefore, it has been classified as a Variant of Uncertain Significance.

NM_001242.5(CD27):c.15T>G (p.His5Gln)

Genes: CD27 (CD27 molecule; plus strand), CD27-AS1 (CD27 antisense RNA 1; minus strand). Cytogenetic location: 12p13.31.
Variant type: single nucleotide variant.
Coding change: c.15T>G on transcript NM_001242.5 (MANE Select); coding-DNA position 15, T replaced by G.
Protein change: p.His5Gln; replaces histidine 5 with glutamine.
Molecular consequence: missense variant.
Genome position (GRCh38, 1-based): chr12:6,445,110, T>G. VCF-style: chr12-6445110-T-G. GRCh37 (hg19) VCF-style: chr12-6554276-T-G.
Other names: c.15T>G, p.His5Gln (NM_001413263.1, NM_001413264.1, NM_001413265.1); short protein forms H5Q.
Identifiers: ClinVar variation 2081793 (VCV002081793.4), dbSNP rs1259951366, ClinGen allele CA383544654.